The following is an entry in ClinVar:

ClinVar aggregate classification (germline): Uncertain significance. Review status: criteria provided, multiple submitters, no conflicts (2 of 4 stars). 2 submissions from 2 submitters: Uncertain significance (2). Last evaluated 2022-11-24.

Allele frequency attached by ClinVar (database versions not stated): gnomAD exomes 0.00001; TOPMed 0.00002; gnomAD 0.00003.
gnomAD v4.1: 11 of 1,605,582 alleles (0.00069%); highest among the groups gnomAD compares: African/African-American, 0.0054%; no homozygotes.

Submissions (2):

Blueprint Genetics
Classification: Uncertain significance. Last evaluated: 2022-11-24. Review status: criteria provided, single submitter. Criteria: ACMG Guidelines, 2015. Collection method: clinical testing. Allele origin: germline.

Labcorp Genetics (formerly Invitae), Labcorp
Classification: Uncertain significance. Last evaluated: 2022-08-01. Review status: criteria provided, single submitter. Criteria: Invitae Variant Classification Sherloc (09022015). Collection method: clinical testing. Allele origin: germline.
Comment: Algorithms developed to predict the effect of missense changes on protein structure and function are either unavailable or do not agree on the potential impact of this missense change (SIFT: "Deleterious"; PolyPhen-2: "Benign"; Align-GVGD: "Class C0"). ClinVar contains an entry for this variant (Variation ID: 1431939). This variant has not been reported in the literature in individuals affected with IFT81-related conditions. This variant is present in population databases (no rsID available, gnomAD 0.007%). This sequence change replaces arginine, which is basic and polar, with histidine, which is basic and polar, at codon 120 of the IFT81 protein (p.Arg120His). In summary, the available evidence is currently insufficient to determine the role of this variant in disease. Therefore, it has been classified as a Variant of Uncertain Significance.

NM_014055.4(IFT81):c.359G>A (p.Arg120His)

Gene: IFT81 (intraflagellar transport 81; plus strand). Cytogenetic location: 12q24.11.
Variant type: single nucleotide variant.
Coding change: c.359G>A on transcript NM_014055.4 (MANE Select); coding-DNA position 359, G replaced by A.
Protein change: p.Arg120His; replaces arginine 120 with histidine.
Molecular consequence: missense variant. On other transcripts: 5 prime UTR variant (2), non-coding transcript variant (4).
Genome position (GRCh38, 1-based): chr12:110,129,060, G>A. VCF-style: chr12-110129060-G-A. GRCh37 (hg19) VCF-style: chr12-110566865-G-A.
Other names: c.359G>A, p.Arg120His (NM_001143779.2, NM_001347946.2, NM_031473.4); c.-408G>A (NM_001347947.2, NM_001347948.2); short protein forms R120H.
Identifiers: ClinVar variation 1431939 (VCV001431939.5), dbSNP rs969279168, ClinGen allele CA243924609.